The following is an entry in ClinVar:

ClinVar aggregate classification (germline): Pathogenic (0 of 4 stars; one submission).

Conditions:
Beta-thalassemia HBB/LCRB. Identifiers: MedGen CN322236, MONDO:0013517, OMIM 613985.

Submission:

Precision Medicine Lab Center, Yangjiang People's Hospital
Classification: Pathogenic for Beta-thalassemia HBB/LCRB. Last evaluated: 2025-03-01. Review status: no assertion criteria provided. Collection method: clinical testing. Allele origin: germline. Inheritance: Autosomal recessive inheritance. Affected: yes. Observed: 1 compound heterozygote.
Comment: The case report describes a compound heterozygous state of HBB:c.105-106insCTAC with --SEA, where the patient exhibited hematological parameters (Hb: 106.00 g/L; MCV: 63.80 fl; MCH: 19.30 pg) similar to those observed in pure SEA variants, but with elevated HbA2 levels—a hallmark feature of β-thalassemia. The HBB:c.105-106insCTAC variant is a frameshift mutation caused by the insertion of four nucleotides. Specifically, this variant involves the insertion of four base pairs between codons 35 and 36, resulting in a frameshift. This alteration leads to the conversion of codon 45 into a premature termination codon (PTC), causing truncation of the translated polypeptide chain and consequent impairment of gene function. This variant is not documented in population databases and has not been previously reported in the literature. Based on the above evidence, this variant is classified as pathogenic according to ACMG guidelines.

NM_000518.5(HBB):c.105_106insCTAC (p.Tyr36fs)

Genes: HBB (hemoglobin subunit beta; minus strand), LOC106099062 (HBB recombination region; plus strand), LOC107133510 (origin of replication at HBB; plus strand). Cytogenetic location: 11p15.4.
Variant type: Insertion.
Coding change: c.105_106insCTAC on transcript NM_000518.5 (MANE Select); coding-DNA positions 105 to 106, CTAC inserted.
Protein change: p.Tyr36fs; shifts the reading frame from tyrosine 36.
Molecular consequence: frameshift variant.
Genome position: GRCh38 VCF-style: chr11-5226786-A-AGTAG. GRCh37 (hg19) VCF-style: chr11-5248016-A-AGTAG.
Other names: HBB:c.105-106insCTAC; short protein forms Y36fs.
Identifiers: ClinVar variation 3781328 (VCV003781328.1).